The following is an entry in ClinVar:

GRCh37/hg19 1p21.1(chr1:103446394-105602157)x1

Genes: AMY2A (amylase alpha 2A; plus strand), AMY2B (amylase alpha 2B; plus strand), AMY1A (amylase alpha 1A; plus strand), AMY1B (amylase alpha 1B; minus strand), AMY1C (amylase alpha 1C; plus strand) and 2 more. Cytogenetic location: 1p21.1.
Variant type: copy number loss.
Change: copy number 1 (one copy instead of two) of chr1:103,446,394-105,602,157 (2.16 Mb, GRCh37 coordinates, 1-based), cytogenetic band 1p21.1.
Identifiers: ClinVar variation 988901 (VCV000988901.4).

ClinVar aggregate classification (germline): Uncertain significance (1 of 4 stars; one submission).

Submission:

Illumina Laboratory Services, Illumina
Classification: Uncertain significance. Last evaluated: 2020-10-30. Review status: criteria provided, single submitter. Criteria: ICSL CNVClassificationCriteria Aug2020. Collection method: clinical testing. Allele origin: unknown.
Comment: This CNV is a 2.2 Mb deletion on chromosome 1 of 1p21.1, (seq[GRCh37]del(1)(p21.1); chr1:g.103446394_105602157del) which is inherited. This CNV constitutes a loss encompassing the following genes: AMY1C, AMY1B, AMY1A, AMY2A, ACTG1P4, AMY2B, RNPC3, COL11A1, AMYP1, FTLP17, RN7SKP285, SOD2P1. The breakpoint lies within COL11A1 gene, resulting in deletion of exons 1-32. Variants in COL11A1 are associated with Stickler syndrome, an autosomal dominant connective tissue disorder that can include ocular findings of myopia, cataract, and retinal detachment; hearing loss; midfacial underdevelopment and cleft palate; and mild spondyloepiphyseal dysplasia and/or precocious arthritis (Baker et al. 2011). Variable phenotypic expression of Stickler syndrome occurs both within and among families. Deletion of exons 1-32 will result in loss of the N-terminal propeptide and part of the Collagen alpha-1(XI) chain (Booth et al. 2019). This CNV has not been reported in the literature, other CNVs including single or multiple exon deletion in COL11A1 have been reported (Vijzelaar et al. 2013). Based on the evidence currently available, this CNV is classified as a variant of uncertain significance.

Literature cited by the submitters: PubMed 21671392; PubMed 23621912; PubMed 30245514.